The following is an entry in ClinVar:

NM_000059.4(BRCA2):c.4455A>G (p.Ile1485Met)

Gene: BRCA2 (BRCA2 DNA repair associated; plus strand). Cytogenetic location: 13q13.1.
Variant type: single nucleotide variant.
Coding change: c.4455A>G on transcript NM_000059.4 (MANE Select); coding-DNA position 4455, A replaced by G.
Protein change: p.Ile1485Met; replaces isoleucine 1485 with methionine.
Molecular consequence: missense variant.
Genome position (GRCh38, 1-based): chr13:32,338,810, A>G. VCF-style: chr13-32338810-A-G. GRCh37 (hg19) VCF-style: chr13-32912947-A-G.
Other names: short protein forms I1485M.
Identifiers: ClinVar variation 491277 (VCV000491277.8), dbSNP rs1555283791, ClinGen allele CA387781390.

ClinVar aggregate classification (germline): Conflicting classifications of pathogenicity. Review status: criteria provided, conflicting classifications (1 of 4 stars). 2 submissions from 2 submitters: Uncertain significance (1); Likely benign (1). Last evaluated 2023-12-05.

Conditions:
Hereditary cancer-predisposing syndrome. Also called: Hereditary neoplastic syndrome; Tumor predisposition; Hereditary Cancer Syndrome; Neoplastic Syndromes, Hereditary. Identifiers: Orphanet 140162, MedGen C0027672, MeSH D009386, MONDO:0015356.

Submissions (2):

Color Diagnostics, LLC DBA Color Health
Classification: Uncertain significance for Hereditary cancer-predisposing syndrome. Last evaluated: 2023-12-05. Review status: criteria provided, single submitter. Criteria: ACMG Guidelines, 2015. Collection method: clinical testing. Allele origin: germline.
Comment: This missense variant replaces isoleucine with methionine at codon 1485 of the BRCA2 protein. Computational prediction suggests that this variant may not impact protein structure and function (internally defined REVEL score threshold <= 0.5, PMID: 27666373). To our knowledge, functional studies have not been reported for this variant. This variant has not been reported in individuals affected with BRCA2-related disorders in the literature. This variant has not been identified in the general population by the Genome Aggregation Database (gnomAD). The available evidence is insufficient to determine the role of this variant in disease conclusively. Therefore, this variant is classified as a Variant of Uncertain Significance.

University of Washington Department of Laboratory Medicine, University of Washington
Classification: Likely benign for Hereditary cancer-predisposing syndrome. Last evaluated: 2023-03-23. Review status: criteria provided, single submitter. Criteria: Dines et al. (Genet Med. 2020). Collection method: curation. Allele origin: germline.
Comment: Missense variant in a coldspot region where missense variants are very unlikely to be pathogenic (PMID:31911673).

BRCA2 exon 11 coldspot. Reclassification based on statistical prior probability.